The following is an entry in ClinVar:

NM_020686.6(ABAT):c.*318T>C

Gene: ABAT (4-aminobutyrate aminotransferase; plus strand). Cytogenetic location: 16p13.2.
Variant type: single nucleotide variant.
Coding change: c.*318T>C on transcript NM_020686.6 (MANE Select); 318 bases downstream of the stop codon, T replaced by C.
Molecular consequence: 3 prime UTR variant.
Genome position (GRCh38, 1-based): chr16:8,781,748, T>C. VCF-style: chr16-8781748-T-C. GRCh37 (hg19) VCF-style: chr16-8875605-T-C.
Other names: c.*318T>C (NM_000663.5, NM_001127448.2, NM_001386600.1 and 14 more transcripts); c.*332T>C (NM_001386609.1, NM_001386616.1).
Identifiers: ClinVar variation 321099 (VCV000321099.5), dbSNP rs78352097, ClinGen allele CA10638517.
Genomic context (GRCh38, chr16:8,781,748, plus strand): 5'-GGGAAGGGCCATGGGAGGTCCTGGCTAGAGTTCTGCCCAACCTTGACCAACCCCAGCAAT[T>C]TTTCCAAAAGCCAGTCAAGGGCATTACATTTGTTCCTGGGACTGGCAGCTGGGCCTCCTG-3'

ClinVar aggregate classification (germline): Benign (1 of 4 stars; one submission).

Conditions:
Gamma-aminobutyric acid transaminase deficiency (GABATD). Also called: GABA aminotransaminase deficiency; GABA transaminase deficiency; Gamma aminobutyrate transaminase deficiency; 4 alpha aminobutyrate transaminase deficiency. Identifiers: Orphanet 2066, MedGen C0342708, MONDO:0013166, OMIM 613163.

Allele frequency attached by ClinVar (database versions not stated): gnomAD exomes 0.00221; gnomAD 0.01396 and 0.01478; TOPMed 0.01558; 1000 Genomes Project 30x 0.02046; 1000 Genomes Project 0.02137.
gnomAD v4.1: 2,781 of 441,374 alleles (0.63%); highest among the groups gnomAD compares: African/African-American, 4.7%; 64 homozygotes.

Submission:

Illumina Laboratory Services, Illumina
Classification: Benign for Gamma-aminobutyric acid transaminase deficiency. Last evaluated: 2018-01-12. Review status: criteria provided, single submitter. Criteria: ICSL Variant Classification Criteria 13 December 2019. Collection method: clinical testing. Allele origin: germline.
Comment: This variant was observed in the ICSL laboratory as part of a predisposition screen in an ostensibly healthy population. It had not been previously curated by ICSL or reported in the Human Gene Mutation Database (HGMD: prior to June 1st, 2018), and was therefore a candidate for classification through an automated scoring system. Utilizing variant allele frequency, disease prevalence and penetrance estimates, and inheritance mode, an automated score was calculated to assess if this variant is too frequent to cause the disease. Based on the score and internal cut-off values, a variant classified as benign is not then subjected to further curation. The score for this variant resulted in a classification of benign for this disease.